The following is an entry in ClinVar:

ClinVar aggregate classification (germline): Uncertain significance (1 of 4 stars; one submission).

Submission:

GeneDx
Classification: Uncertain significance. Last evaluated: 2026-03-04. Review status: criteria provided, single submitter. Criteria: GeneDx Variant Classification Process June 2021. Collection method: clinical testing. Allele origin: germline.
Comment: Not observed at significant frequency in large population cohorts (gnomAD); In silico analysis supports that this missense variant has a deleterious effect on protein structure/function; Has not been previously published as pathogenic or benign to our knowledge

NM_001318510.2(ACSL4):c.1862T>C (p.Leu621Ser)

Gene: ACSL4 (acyl-CoA synthetase long chain family member 4; minus strand). Cytogenetic location: Xq23.
Variant type: single nucleotide variant.
Coding change: c.1862T>C on transcript NM_001318510.2 (MANE Select); coding-DNA position 1862, T replaced by C.
Protein change: p.Leu621Ser; replaces leucine 621 with serine.
Molecular consequence: missense variant.
Genome position (GRCh38, 1-based): chrX:109,644,180, A>G on the plus strand (T>C on the coding strand, the complement: ACSL4 is on the minus strand). VCF-style: chrX-109644180-A-G. GRCh37 (hg19) VCF-style: chrX-108887409-A-G.
Other names: c.1985T>C, p.Leu662Ser (NM_001318509.2, NM_001437245.1, NM_001437247.1 and 2 more transcripts); c.1862T>C, p.Leu621Ser (NM_001437250.1, NM_001437251.1, NM_001437252.1 and 2 more transcripts); short protein forms L662S, L621S.
Identifiers: ClinVar variation 5008589 (VCV005008589.1).
Genomic context (GRCh38, chrX:109,644,180, plus strand): 5'-GTTTCAGGGGTCCATGGCTCTGGGCTTAATCGAACCTTGATTGGAATTTCAAATCGCTCC[A>G]ATTTCACTGAAATTAGAAGTGAAAGATGGGAGAAAAGGAGAGGGGGGGAAAGAGACGAGA-3'
Protein context (NP_001305439.1, residues 611-631): EIREAANAMK[Leu621Ser]ERFEIPIKVR